The following is an entry in ClinVar:

ClinVar aggregate classification (germline): Uncertain significance (1 of 4 stars; one submission).

Allele frequency attached by ClinVar (database versions not stated): TOPMed below 0.00001; gnomAD 0.00001.
gnomAD v4.1: 2 of 1,613,936 alleles (0.00012%); highest among the groups gnomAD compares: African/African-American, 0.0013%; no homozygotes.

Submission:

Labcorp Genetics (formerly Invitae), Labcorp
Classification: Uncertain significance. Last evaluated: 2021-12-22. Review status: criteria provided, single submitter. Criteria: Invitae Variant Classification Sherloc (09022015). Collection method: clinical testing. Allele origin: germline.
Comment: In summary, the available evidence is currently insufficient to determine the role of this variant in disease. Therefore, it has been classified as a Variant of Uncertain Significance. This sequence change replaces alanine, which is neutral and non-polar, with valine, which is neutral and non-polar, at codon 1675 of the NBAS protein (p.Ala1675Val). This variant is not present in population databases (gnomAD no frequency). This variant has not been reported in the literature in individuals affected with NBAS-related conditions. Algorithms developed to predict the effect of missense changes on protein structure and function are either unavailable or do not agree on the potential impact of this missense change (SIFT: "Deleterious"; PolyPhen-2: "Benign"; Align-GVGD: "Class C55"). Algorithms developed to predict the effect of sequence changes on RNA splicing suggest that this variant may create or strengthen a splice site.

NM_015909.4(NBAS):c.5024C>T (p.Ala1675Val)

Gene: NBAS (NBAS subunit of NRZ tethering complex; minus strand). Cytogenetic location: 2p24.3.
Variant type: single nucleotide variant.
Coding change: c.5024C>T on transcript NM_015909.4 (MANE Select); coding-DNA position 5024, C replaced by T.
Protein change: p.Ala1675Val; replaces alanine 1675 with valine.
Molecular consequence: missense variant. On other transcripts: non-coding transcript variant (1).
Genome position (GRCh38, 1-based): chr2:15,292,540, G>A on the plus strand (C>T on the coding strand, the complement: NBAS is on the minus strand). VCF-style: chr2-15292540-G-A. GRCh37 (hg19) VCF-style: chr2-15432664-G-A.
Other names: short protein forms A1675V.
Identifiers: ClinVar variation 2053775 (VCV002053775.3), dbSNP rs368636999, ClinGen allele CA345888558.